The following is an entry in ClinVar:

ClinVar aggregate classification (germline): Uncertain significance (1 of 4 stars; one submission).

Submission:

GeneDx
Classification: Uncertain significance. Last evaluated: 2023-04-27. Review status: criteria provided, single submitter. Criteria: GeneDx Variant Classification Process June 2021. Collection method: clinical testing. Allele origin: germline. Affected: yes.
Comment: Has not been previously published as pathogenic or benign to our knowledge; Frameshift variant predicted to result in protein truncation as the last 163 amino acids are replaced with 25 different amino acids

NM_021098.3(CACNA1H):c.6570del (p.Cys2191fs)

Gene: CACNA1H (calcium voltage-gated channel subunit alpha1 H; plus strand). Cytogenetic location: 16p13.3.
Variant type: Deletion.
Coding change: c.6570del on transcript NM_021098.3 (MANE Select); coding-DNA position 6570, one base deleted (C; older notation c.6570delC).
Protein change: p.Cys2191fs; shifts the reading frame from cysteine 2191.
Molecular consequence: frameshift variant.
Genome position (GRCh38, 1-based): chr16:1,220,502, C deleted; the last of 7 consecutive C bases (chr16:1,220,496-1,220,502); deleting any one gives the same sequence. VCF-style (leftmost placement, unchanged base first): chr16-1220495-GC-G. GRCh37 (hg19) VCF-style: chr16-1270495-GC-G.
Other names: c.6552del, p.Cys2185fs (NM_001005407.2); short protein forms C2185fs, C2191fs.
Identifiers: ClinVar variation 1320970 (VCV001320970.4), dbSNP rs760298114, ClinGen allele CA7802415.